The following is an entry in ClinVar:

NM_000077.5(CDKN2A):c.458-514A>G

Gene: CDKN2A (cyclin dependent kinase inhibitor 2A; minus strand). Cytogenetic location: 9p21.3.
Variant type: single nucleotide variant.
Coding change: c.458-514A>G on transcript NM_000077.5 (MANE Select); 514 bases into the intron before coding-DNA position 458, A replaced by G.
Molecular consequence: intron variant. On other transcripts: missense variant (1).
Genome position (GRCh38, 1-based): chr9:21,968,756, T>C on the plus strand (A>G on the coding strand, the complement: CDKN2A is on the minus strand). VCF-style: chr9-21968756-T-C. GRCh37 (hg19) VCF-style: chr9-21968755-T-C.
Other names: c.473A>G, p.His158Arg (NM_001195132.2); c.305-514A>G (NM_001363763.2); c.*102-514A>G (NM_058195.4); c.*381-514A>G (NM_058197.5); short protein forms H158R.
Identifiers: ClinVar variation 3061049 (VCV003061049.2), dbSNP rs1210653597, ClinGen allele CA373085164.

ClinVar aggregate classification (germline): Uncertain significance (0 of 4 stars; one submission).

Conditions:
CDKN2A-related disorder. Also called: CDKN2A-related condition.

Allele frequency attached by ClinVar (database versions not stated): gnomAD exomes 0.00001.
gnomAD v4.1: 17 of 1,536,126 alleles (0.0011%); highest among the groups gnomAD compares: Non-Finnish European, 0.0015%; no homozygotes.

Submission:

PreventionGenetics, part of Exact Sciences
Classification: Uncertain significance for CDKN2A-related condition. Last evaluated: 2024-03-08. Review status: no assertion criteria provided. Collection method: clinical testing. Allele origin: germline.
Comment: The CDKN2A c.473A>G variant is predicted to result in the amino acid substitution p.His158Arg. This variant occurs in the intronic region of the alternative p16INK4A transcript for this gene (NM_000077.4:c.458-514A>G). To our knowledge, this variant has not been reported in the literature or in a large population database, indicating this variant is rare. This variant is not present in ClinVar. At this time, the clinical significance of this variant is uncertain due to the absence of conclusive functional and genetic evidence.